The following is an entry in ClinVar:

NM_015386.3(COG4):c.845-12C>G

Gene: COG4 (component of oligomeric golgi complex 4; minus strand). Cytogenetic location: 16q22.1.
Variant type: single nucleotide variant.
Coding change: c.845-12C>G on transcript NM_015386.3 (MANE Select); 12 bases into the intron before coding-DNA position 845, C replaced by G.
Molecular consequence: intron variant.
Genome position (GRCh38, 1-based): chr16:70,509,400, G>C on the plus strand (C>G on the coding strand, the complement: COG4 is on the minus strand). VCF-style: chr16-70509400-G-C. GRCh37 (hg19) VCF-style: chr16-70543303-G-C.
Other names: NC_000016.9:g.70543303G>C; c.833-12C>G (NM_001195139.2); c.419-12C>G (NM_001365426.1).
Identifiers: ClinVar variation 387983 (VCV000387983.2), dbSNP rs766724739, ClinGen allele CA8144551.

ClinVar aggregate classification (germline): Likely benign (1 of 4 stars; one submission).

Allele frequency attached by ClinVar (database versions not stated): TOPMed 0.00005; gnomAD 0.00006; ExAC 0.00003.
gnomAD v4.1: 75 of 1,613,998 alleles (0.0046%); highest among the groups gnomAD compares: Non-Finnish European, 0.0034%; no homozygotes.

Submissions (2):

GeneDx
Classification: Likely benign. Last evaluated: 2016-08-11. Review status: criteria provided, single submitter. Criteria: GeneDx Variant Classification (06012015). Collection method: clinical testing. Allele origin: germline. Affected: yes.
Comment: This variant is considered likely benign or benign based on one or more of the following criteria: it is a conservative change, it occurs at a poorly conserved position in the protein, it is predicted to be benign by multiple in silico algorithms, and/or has population frequency not consistent with disease.

Dr. Peter K. Rogan Lab, Western University
No classification provided (evidence only). Condition: Uterine corpus endometrial carcinoma. Review status: no classification provided. Collection method: in vitro. Allele origin: not applicable. Functional consequence: retained intron. Not counted in ClinVar's aggregate classification.